The following is an entry in ClinVar:

NM_001365276.2(TNXB):c.1446G>C (p.Met482Ile)

Gene: TNXB (tenascin XB; minus strand). Cytogenetic location: 6p21.33.
Variant type: single nucleotide variant.
Coding change: c.1446G>C on transcript NM_001365276.2 (MANE Select); coding-DNA position 1446, G replaced by C.
Protein change: p.Met482Ile; replaces methionine 482 with isoleucine.
Molecular consequence: missense variant.
Genome position (GRCh38, 1-based): chr6:32,096,407, C>G on the plus strand (G>C on the coding strand, the complement: TNXB is on the minus strand). VCF-style: chr6-32096407-C-G. GRCh37 (hg19) VCF-style: chr6-32064184-C-G.
Other names: c.1446G>C, p.Met482Ile (NM_019105.8); short protein forms M482I.
Identifiers: ClinVar variation 1772805 (VCV001772805.5), dbSNP rs1378870044, ClinGen allele CA363481263.

ClinVar aggregate classification (germline): Uncertain significance. Review status: criteria provided, multiple submitters, no conflicts (2 of 4 stars). 3 submissions from 3 submitters: Uncertain significance (3). Last evaluated 2026-05-13.

Conditions:
Cardiovascular phenotype. Identifiers: MedGen CN230736.

Allele frequency attached by ClinVar (database versions not stated): TOPMed below 0.00001.
gnomAD v4.1: 4 of 1,584,558 alleles (0.00025%); highest among the groups gnomAD compares: Non-Finnish European, 0.00034%; no homozygotes.

Submissions (3):

GeneDx
Classification: Uncertain significance. Last evaluated: 2026-05-13. Review status: criteria provided, single submitter. Criteria: GeneDx Variant Classification Process June 2021. Collection method: clinical testing. Allele origin: germline.
Comment: Has not been previously published as pathogenic or benign to our knowledge; Not observed at significant frequency in large population cohorts (gnomAD); In silico analysis suggests that this missense variant does not alter protein structure/function

Women's Health and Genetics/Laboratory Corporation of America, LabCorp
Classification: Uncertain significance. Last evaluated: 2025-05-26. Review status: criteria provided, single submitter. Criteria: LabCorp Variant Classification Summary - May 2015. Collection method: clinical testing. Allele origin: germline.
Comment: Variant summary: TNXB c.1446G>C (p.Met482Ile) results in a conservative amino acid change in the encoded protein sequence. Algorithms developed to predict the effect of missense changes on protein structure and function all suggest that this variant is likely to be tolerated. The variant was absent in 202298 control chromosomes. The available data on variant occurrences in the general population are insufficient to allow any conclusion about variant significance. To our knowledge, no occurrence of c.1446G>C in individuals affected with Ehlers-Danlos syndrome due to tenascin-X deficiency and no experimental evidence demonstrating its impact on protein function have been reported. ClinVar contains an entry for this variant (Variation ID: 1772805). Based on the evidence outlined above, the variant was classified as uncertain significance.

Ambry Genetics
Classification: Uncertain significance for Cardiovascular phenotype. Last evaluated: 2022-06-14. Review status: criteria provided, single submitter. Criteria: Ambry Variant Classification Scheme 2023. Collection method: clinical testing. Allele origin: germline.
Comment: The p.M482I variant (also known as c.1446G>C), located in coding exon 2 of the TNXB gene, results from a G to C substitution at nucleotide position 1446. The methionine at codon 482 is replaced by isoleucine, an amino acid with highly similar properties. This amino acid position is conserved. In addition, this alteration is predicted to be tolerated by in silico analysis. Since supporting evidence is limited at this time, the clinical significance of this alteration remains unclear.